The following is an entry in ClinVar:

ClinVar aggregate classification (germline): Pathogenic/Likely pathogenic. Review status: criteria provided, multiple submitters, no conflicts (2 of 4 stars). 7 submissions from 7 submitters: Pathogenic (4); Likely pathogenic (2). 1 of the submissions does not count toward it. Last evaluated 2023-03-01.

Conditions:
Autism spectrum disorder due to AUTS2 deficiency (MRD26). Also called: INTELLECTUAL DEVELOPMENTAL DISORDER, AUTOSOMAL DOMINANT 26. Identifiers: Orphanet 352490, MedGen C4014435, MONDO:0014361, OMIM 615834.
AUTS2-related disorder. Also called: AUTS2-related condition.

Submissions (7):

CeGaT Center for Human Genetics Tuebingen
Classification: Pathogenic. Last evaluated: 2023-03-01. Review status: criteria provided, single submitter. Criteria: CeGaT Center For Human Genetics Tuebingen Variant Classification Criteria Version 2. Collection method: clinical testing. Allele origin: germline. Affected: yes. Observed: 2 variant alleles.
Comment: AUTS2: PVS1, PS2, PM2

Laboratorio de Genetica e Diagnostico Molecular, Hospital Israelita Albert Einstein
Classification: Likely pathogenic for Autism spectrum disorder due to AUTS2 deficiency. Last evaluated: 2022-04-28. Review status: criteria provided, single submitter. Criteria: ACMG Guidelines, 2015. Collection method: clinical testing. Allele origin: germline. Affected: yes. Observed: 1 variant allele.
Comment: ACMG classification criteria: PVS1 very strong, PM2 moderated

Blueprint Genetics
Classification: Likely pathogenic for AUTS2-related disorders. Last evaluated: 2021-01-22. Review status: criteria provided, single submitter. Criteria: ACMG Guidelines, 2015. Collection method: clinical testing. Allele origin: germline. Affected: yes. Observed: 1 variant allele.

Institute of Human Genetics Munich, TUM University Hospital
Classification: Pathogenic for Autism spectrum disorder due to AUTS2 deficiency. Last evaluated: 2019-06-13. Review status: criteria provided, single submitter. Criteria: Classification criteria August 2017. Collection method: clinical testing. Allele origin: de novo. Inheritance: Autosomal dominant inheritance. Affected: yes. Observed: 1 heterozygote.

GeneDx
Classification: Pathogenic. Last evaluated: 2017-06-27. Review status: criteria provided, single submitter. Criteria: GeneDx Variant Classification (06012015). Collection method: clinical testing. Allele origin: germline. Affected: yes.
Comment: The R316X variant in the AUTS2 gene has not been reported previously as a pathogenic variant nor as a benign variant, to our knowledge. This variant is predicted to cause loss of normal protein function through protein truncation. The R316X variant is not observed in large population cohorts (Lek et al., 2016; 1000 Genomes Consortium et al., 2015; Exome Variant Server). We interpret R316X as a pathogenic variant.

Juno Genomics, Hangzhou Juno Genomics, Inc
Classification: Pathogenic for Autism spectrum disorder due to AUTS2 deficiency. Review status: criteria provided, single submitter. Criteria: ACMG Guidelines, 2015. Collection method: clinical testing. Allele origin: germline. Affected: yes.
Comment: Null variant in a gene where loss of function (LOF) is a known mechanism of disease.;Absent from controls (or at extremely low frequency if recessive) in Genome Aggregation Database, Exome Sequencing Project, 1000 Genomes Project, or Exome Aggregation Consortium.;The prevalence of the variant in affected individuals is significantly increased compared to the prevalence in controls.;De novo (both maternity and paternity confirmed) in a patient with the disease and no family history.;Patient's phenotype or family history is highly specific for a disease with a single genetic etiology.

Molecular Genetics Laboratory, BC Children's and BC Women's Hospitals
Classification: Pathogenic for Autism spectrum disorder due to AUTS2 deficiency. Last evaluated: 2018-02-14. Review status: no assertion criteria provided. Criteria: ACMG Guidelines, 2015. Collection method: clinical testing. Allele origin: de novo. Affected: yes. Not counted in ClinVar's aggregate classification.

NM_015570.4(AUTS2):c.946C>T (p.Arg316Ter)

Gene: AUTS2 (activator of transcription and developmental regulator AUTS2; plus strand). Cytogenetic location: 7q11.22.
Variant type: single nucleotide variant.
Coding change: c.946C>T on transcript NM_015570.4 (MANE Select); coding-DNA position 946, C replaced by T.
Protein change: p.Arg316Ter; replaces arginine 316 with a stop codon.
Molecular consequence: nonsense.
Genome position (GRCh38, 1-based): chr7:70,763,073, C>T. VCF-style: chr7-70763073-C-T. GRCh37 (hg19) VCF-style: chr7-70228059-C-T.
Other names: c.946C>T, p.Arg316Ter (NM_001127231.3); short protein forms R316*.
Identifiers: ClinVar variation 489014 (VCV000489014.44), dbSNP rs1554480537, ClinGen allele CA367667532.